The following is an entry in ClinVar:

NM_001267550.2(TTN):c.9870T>C (p.Asp3290=)

Gene: TTN (titin; minus strand). Cytogenetic location: 2q31.2.
Variant type: single nucleotide variant.
Coding change: c.9870T>C on transcript NM_001267550.2 (MANE Select); coding-DNA position 9870, T replaced by C.
Protein change: p.Asp3290=; no amino-acid change (aspartic acid 3290 retained).
Molecular consequence: synonymous variant.
Genome position (GRCh38, 1-based): chr2:178,764,645, A>G on the plus strand (T>C on the coding strand, the complement: TTN is on the minus strand). VCF-style: chr2-178764645-A-G. GRCh37 (hg19) VCF-style: chr2-179629372-A-G.
Other names: c.9870T>C, p.Asp3290= (NM_133378.4, NM_001256850.1, NM_133379.5); c.9732T>C, p.Asp3244= (NM_003319.4, NM_133432.3, NM_133437.4).
Identifiers: ClinVar variation 166294 (VCV000166294.6), dbSNP rs727503680, ClinGen allele CA179202.

ClinVar aggregate classification (germline): Likely benign. Review status: criteria provided, multiple submitters, no conflicts (2 of 4 stars). 2 submissions from 2 submitters: Likely benign (2). Last evaluated 2026-03-27.

Allele frequency attached by ClinVar (database versions not stated): gnomAD 0.00001; TOPMed 0.00001; ExAC 0.00002; gnomAD exomes 0.00001.
gnomAD v4.1: 7 of 1,613,970 alleles (0.00043%); highest among the groups gnomAD compares: South Asian, 0.0011%; no homozygotes.

Submissions (2):

Molecular Diagnostic Laboratory for Inherited Cardiovascular Disease, Montreal Heart Institute
Classification: Likely benign. Last evaluated: 2026-03-27. Review status: criteria provided, single submitter. Criteria: ACMG Guidelines, 2015. Collection method: clinical testing. Allele origin: germline. Affected: no.
Comment: BP7

Laboratory for Molecular Medicine, Mass General Brigham Personalized Medicine
Classification: Likely benign. Last evaluated: 2013-10-21. Review status: criteria provided, single submitter. Criteria: LMM Criteria. Collection method: clinical testing. Allele origin: germline. Observed: 1 variant allele.
Comment: Asp3290Asp in exon 42 of TTN: This variant is not expected to have clinical sign ificance because it does not alter an amino acid residue and is not located with in the splice consensus sequence. Asp3290Asp in exon 42 of TTN (allele frequen cy = n/a)